The following is an entry in ClinVar:

NM_002047.4(GARS1):c.1929A>G (p.Val643=)

Gene: GARS1 (glycyl-tRNA synthetase 1; plus strand). Cytogenetic location: 7p14.3.
Variant type: single nucleotide variant.
Coding change: c.1929A>G on transcript NM_002047.4 (MANE Select); coding-DNA position 1929, A replaced by G.
Protein change: p.Val643=; no amino-acid change (valine 643 retained).
Molecular consequence: synonymous variant.
Genome position (GRCh38, 1-based): chr7:30,632,272, A>G. VCF-style: chr7-30632272-A-G. GRCh37 (hg19) VCF-style: chr7-30671888-A-G.
Other names: c.1767A>G, p.Val589= (NM_001316772.1); c.1929A>G (NM_002047.3).
Identifiers: ClinVar variation 1092308 (VCV001092308.10), dbSNP rs376451704, ClinGen allele CA4206127.

ClinVar aggregate classification (germline): Likely benign. Review status: criteria provided, multiple submitters, no conflicts (2 of 4 stars). 2 submissions from 2 submitters: Likely benign (2). Last evaluated 2025-08-05.

Conditions:
Charcot-Marie-Tooth disease type 2. Also called: Charcot-Marie-Tooth type 2. Identifiers: Orphanet 64746, MedGen C0270914, MONDO:0018993.
GARS1-related disorder. Also called: GARS1-related condition.

Allele frequency attached by ClinVar (database versions not stated): TOPMed 0.00002; gnomAD 0.00003; ESP Exome Variant Server 0.00008; gnomAD exomes 0.00001 and 0.00002; ExAC 0.00002.
gnomAD v4.1: 14 of 1,614,060 alleles (0.00087%); highest among the groups gnomAD compares: African/African-American, 0.0013%; no homozygotes.

Submissions (2):

Labcorp Genetics (formerly Invitae), Labcorp
Classification: Likely benign for Charcot-Marie-Tooth disease type 2. Last evaluated: 2025-08-05. Review status: criteria provided, single submitter. Criteria: Invitae Variant Classification Sherloc (09022015). Collection method: clinical testing. Allele origin: germline.

PreventionGenetics, part of Exact Sciences
Classification: Likely benign for GARS1-related condition. Last evaluated: 2025-05-09. Review status: criteria provided, single submitter. Criteria: ACMG Guidelines, 2015. Collection method: clinical testing. Allele origin: germline.
Comment: This variant is classified as likely benign based on ACMG/AMP sequence variant interpretation guidelines (Richards et al. 2015 PMID: 25741868, with internal and published modifications).